The following is an entry in ClinVar:

ClinVar aggregate classification (germline): Uncertain significance. Review status: criteria provided, multiple submitters, no conflicts (2 of 4 stars). 4 submissions from 4 submitters: Uncertain significance (4). Last evaluated 2024-01-06.

Conditions:
Hereditary cancer-predisposing syndrome. Also called: Hereditary Cancer Syndrome; Hereditary neoplastic syndrome; Neoplastic Syndromes, Hereditary; Tumor predisposition. Identifiers: Orphanet 140162, MedGen C0027672, MeSH D009386, MONDO:0015356.
Microcephaly, normal intelligence and immunodeficiency (NBS). Also called: Ataxia telangiectasia variant V1; IMMUNODEFICIENCY, MICROCEPHALY, AND CHROMOSOMAL INSTABILITY; SEEMANOVA SYNDROME II; Nijmegen breakage syndrome; Microcephaly with normal intelligence immunodeficiency and lymphoreticular malignancies; Nonsyndromal microcephaly autosomal recessive with normal intelligence. Identifiers: Orphanet 647, MedGen C0398791, MONDO:0009623, OMIM 251260.
Aplastic anemia. Identifiers: Orphanet 182040, Orphanet 88, MedGen C0002874, MONDO:0015909, OMIM 609135, HP:0001915.

Allele frequency attached by ClinVar (database versions not stated): gnomAD exomes below 0.00001.
gnomAD v4.1: 2 of 1,613,634 alleles (0.00012%); highest among the groups gnomAD compares: African/African-American, 0.0013%; no homozygotes.

Submissions (4):

Baylor Genetics
Classification: Uncertain significance for Aplastic anemia. Last evaluated: 2024-01-06. Review status: criteria provided, single submitter. Criteria: ACMG Guidelines, 2015. Collection method: clinical testing. Allele origin: unknown.

Labcorp Genetics (formerly Invitae), Labcorp
Classification: Uncertain significance for Microcephaly, normal intelligence and immunodeficiency. Last evaluated: 2022-08-22. Review status: criteria provided, single submitter. Criteria: Invitae Variant Classification Sherloc (09022015). Collection method: clinical testing. Allele origin: germline.
Comment: This sequence change replaces threonine, which is neutral and polar, with isoleucine, which is neutral and non-polar, at codon 318 of the NBN protein (p.Thr318Ile). This variant is not present in population databases (gnomAD no frequency). This variant has not been reported in the literature in individuals affected with NBN-related conditions. ClinVar contains an entry for this variant (Variation ID: 921569). Algorithms developed to predict the effect of missense changes on protein structure and function are either unavailable or do not agree on the potential impact of this missense change (SIFT: "Deleterious"; PolyPhen-2: "Benign"; Align-GVGD: "Class C0"). In summary, the available evidence is currently insufficient to determine the role of this variant in disease. Therefore, it has been classified as a Variant of Uncertain Significance.

Ambry Genetics
Classification: Uncertain significance for Hereditary cancer-predisposing syndrome. Last evaluated: 2022-03-17. Review status: criteria provided, single submitter. Criteria: Ambry Variant Classification Scheme 2023. Collection method: clinical testing. Allele origin: germline.
Comment: The p.T318I variant (also known as c.953C>T), located in coding exon 8 of the NBN gene, results from a C to T substitution at nucleotide position 953. The threonine at codon 318 is replaced by isoleucine, an amino acid with similar properties. This amino acid position is well conserved in available vertebrate species. In addition, this alteration is predicted to be tolerated by in silico analysis. Since supporting evidence is limited at this time, the clinical significance of this alteration remains unclear.

Genome-Nilou Lab
Classification: Uncertain significance for Microcephaly, normal intelligence and immunodeficiency. Last evaluated: 2021-11-07. Review status: criteria provided, single submitter. Criteria: ACMG Guidelines, 2015. Collection method: clinical testing. Allele origin: germline. Affected: no.

NM_002485.5(NBN):c.953C>T (p.Thr318Ile)

Gene: NBN (nibrin; minus strand). Cytogenetic location: 8q21.3.
Variant type: single nucleotide variant.
Coding change: c.953C>T on transcript NM_002485.5 (MANE Select); coding-DNA position 953, C replaced by T.
Protein change: p.Thr318Ile; replaces threonine 318 with isoleucine.
Molecular consequence: missense variant.
Genome position (GRCh38, 1-based): chr8:89,964,451, G>A on the plus strand (C>T on the coding strand, the complement: NBN is on the minus strand). VCF-style: chr8-89964451-G-A. GRCh37 (hg19) VCF-style: chr8-90976679-G-A.
Other names: c.707C>T, p.Thr236Ile (NM_001024688.3); short protein forms T236I, T318I.
Identifiers: ClinVar variation 921569 (VCV000921569.14), dbSNP rs1811146292, ClinGen allele CA371656962.